The following is an entry in ClinVar:

NM_152641.4(ARID2):c.2481A>T (p.Gln827His)

Gene: ARID2 (AT-rich interaction domain 2; plus strand). Cytogenetic location: 12q12.
Variant type: single nucleotide variant.
Coding change: c.2481A>T on transcript NM_152641.4 (MANE Select); coding-DNA position 2481, A replaced by T.
Protein change: p.Gln827His; replaces glutamine 827 with histidine.
Molecular consequence: missense variant.
Genome position (GRCh38, 1-based): chr12:45,850,604, A>T. VCF-style: chr12-45850604-A-T. GRCh37 (hg19) VCF-style: chr12-46244387-A-T.
Other names: c.2481A>T, p.Gln827His (NM_001347839.2); short protein forms Q827H.
Identifiers: ClinVar variation 4535748 (VCV004535748.1).

ClinVar aggregate classification (germline): Uncertain significance (1 of 4 stars; one submission).

gnomAD v4.1: 7 of 1,613,900 alleles (0.00043%); highest among the groups gnomAD compares: African/African-American, 0.0093%; no homozygotes.

Submission:

Women's Health and Genetics/Laboratory Corporation of America, LabCorp
Classification: Uncertain significance. Last evaluated: 2025-09-05. Review status: criteria provided, single submitter. Criteria: LabCorp Variant Classification Summary - May 2015. Collection method: clinical testing. Allele origin: germline.
Comment: Variant summary: ARID2 c.2481A>T (p.Gln827His) results in a non-conservative amino acid change in the encoded protein sequence. Algorithms developed to predict the effect of missense changes on protein structure and function are either unavailable or do not agree on the potential impact of this missense change. The variant allele was found at a frequency of 8e-06 in 250902 control chromosomes. The available data on variant occurrences in the general population are insufficient to allow any conclusion about variant significance. To our knowledge, no occurrence of c.2481A>T in individuals affected with ARID2-related conditions and no experimental evidence demonstrating its impact on protein function have been reported. No submitters have cited clinical-significance assessments for this variant to ClinVar. Based on the evidence outlined above, the variant was classified as uncertain significance.